The following is an entry in ClinVar:

ClinVar aggregate classification (germline): Uncertain significance. Review status: criteria provided, multiple submitters, no conflicts (2 of 4 stars). 5 submissions from 5 submitters: Uncertain significance (5). Last evaluated 2026-09-01.

Conditions:
Hypogonadotropic hypogonadism 5 with or without anosmia (KAL5). Also called: HYPOGONADOTROPIC HYPOGONADISM 5 WITH ANOSMIA; CHD7-Related GnRH Deficiency (Kallmann Syndrome 5); HYPOGONADOTROPHIC HYPOGONADISM 5 WITHOUT ANOSMIA. Identifiers: Orphanet 478, MedGen C3552553, MONDO:0012880, OMIM 612370. Disease mechanism: loss of function.
CHARGE syndrome (CHARGE). Also called: Hittner Hirsch Kreh syndrome; CHARGE ASSOCIATION--COLOBOMA, HEART ANOMALY, CHOANAL ATRESIA, RETARDATION, GENITAL AND EAR ANOMALIES; Coloboma, heart anomaly, choanal atresia, retardation, genital and ear anomalies; CHARGE association; Hall-Hittner syndrome. Identifiers: Orphanet 138, MedGen C0265354, MONDO:0008965.

Allele frequency attached by ClinVar (database versions not stated): gnomAD exomes below 0.00001; TOPMed 0.00001.
gnomAD v4.1: 1 of 1,596,644 alleles (0.000063%); no homozygotes.

Submissions (5):

CeGaT Center for Human Genetics Tuebingen
Classification: Uncertain significance. Last evaluated: 2026-09-01. Review status: criteria provided, single submitter. Criteria: CeGaT Center For Human Genetics Tuebingen Variant Classification Criteria Version 2. Collection method: clinical testing. Allele origin: germline. Affected: yes. Observed: 1 variant allele.
Comment: CHD7: PM2, PP3

Women's Health and Genetics/Laboratory Corporation of America, LabCorp
Classification: Uncertain significance. Last evaluated: 2024-11-21. Review status: criteria provided, single submitter. Criteria: LabCorp Variant Classification Summary - May 2015. Collection method: clinical testing. Allele origin: germline.
Comment: Variant summary: CHD7 c.7543A>G (p.Arg2515Gly) results in a non-conservative amino acid change in the encoded protein sequence. Four of five in-silico tools predict a damaging effect of the variant on protein function. The variant was absent in 233848 control chromosomes. The available data on variant occurrences in the general population are insufficient to allow any conclusion about variant significance. To our knowledge, no occurrence of c.7543A>G in individuals affected with Hypogonadotropic Hypogonadism 5 With Or Without Anosmia and no experimental evidence demonstrating its impact on protein function have been reported. ClinVar contains an entry for this variant (Variation ID: 1306720). Based on the evidence outlined above, the variant was classified as uncertain significance.

Fulgent Genetics
Classification: Uncertain significance for CHD7-related CHARGE syndrome; Hypogonadotropic hypogonadism 5 with or without anosmia. Last evaluated: 2024-03-07. Review status: criteria provided, single submitter. Criteria: ACMG Guidelines, 2015. Collection method: clinical testing. Allele origin: germline.

Labcorp Genetics (formerly Invitae), Labcorp
Classification: Uncertain significance for CHARGE syndrome. Last evaluated: 2023-12-11. Review status: criteria provided, single submitter. Criteria: Invitae Variant Classification Sherloc (09022015). Collection method: clinical testing. Allele origin: germline.
Comment: This sequence change replaces arginine, which is basic and polar, with glycine, which is neutral and non-polar, at codon 2515 of the CHD7 protein (p.Arg2515Gly). This variant is not present in population databases (gnomAD no frequency). This variant has not been reported in the literature in individuals affected with CHD7-related conditions. ClinVar contains an entry for this variant (Variation ID: 1306720). Advanced modeling of protein sequence and biophysical properties (such as structural, functional, and spatial information, amino acid conservation, physicochemical variation, residue mobility, and thermodynamic stability) performed at Invitae indicates that this missense variant is expected to disrupt CHD7 protein function with a positive predictive value of 80%. Algorithms developed to predict the effect of sequence changes on RNA splicing suggest that this variant may disrupt the consensus splice site. In summary, the available evidence is currently insufficient to determine the role of this variant in disease. Therefore, it has been classified as a Variant of Uncertain Significance.

GeneDx
Classification: Uncertain significance. Last evaluated: 2019-03-01. Review status: criteria provided, single submitter. Criteria: GeneDx Variant Classification Process June 2021. Collection method: clinical testing. Allele origin: germline. Affected: yes.
Comment: Not observed in large population cohorts (Lek et al., 2016); In silico analysis, which includes protein predictors and evolutionary conservation, supports a deleterious effect; Has not been previously published as pathogenic or benign to our knowledge

NM_017780.4(CHD7):c.7543A>G (p.Arg2515Gly)

Gene: CHD7 (chromodomain helicase DNA binding protein 7; plus strand). Cytogenetic location: 8q12.2.
Variant type: single nucleotide variant.
Coding change: c.7543A>G on transcript NM_017780.4 (MANE Select); coding-DNA position 7543, A replaced by G.
Protein change: p.Arg2515Gly; replaces arginine 2515 with glycine.
Molecular consequence: missense variant. On other transcripts: intron variant (1).
Genome position (GRCh38, 1-based): chr8:60,856,823, A>G. VCF-style: chr8-60856823-A-G. GRCh37 (hg19) VCF-style: chr8-61769382-A-G.
Other names: c.1717-5406A>G (NM_001316690.1); short protein forms R2515G.
Identifiers: ClinVar variation 1306720 (VCV001306720.8), dbSNP rs1805740102, ClinGen allele CA371302418.